The following is an entry in ClinVar:

ClinVar aggregate classification (germline): Uncertain significance (1 of 4 stars; one submission).

Conditions:
Spermatogenic failure 18. Identifiers: MedGen C4539783, MONDO:0054615, OMIM 617576.
Ciliary dyskinesia, primary, 37 (CILD37). Also called: CILIARY DYSKINESIA, PRIMARY, 37, WITH OR WITHOUT SITUS INVERSUS. Identifiers: MedGen C4539798, MONDO:0033204, OMIM 617577.

Allele frequency attached by ClinVar (database versions not stated): ExAC 0.00001; gnomAD exomes 0.00001; TOPMed 0.00001; gnomAD 0.00002.
gnomAD v4.1: 21 of 1,613,782 alleles (0.0013%); highest among the groups gnomAD compares: Non-Finnish European, 0.0017%; no homozygotes.

Submission:

Labcorp Genetics (formerly Invitae), Labcorp
Classification: Uncertain significance for Ciliary dyskinesia, primary, 37; Spermatogenic failure 18. Last evaluated: 2025-11-10. Review status: criteria provided, single submitter. Criteria: Invitae Variant Classification Sherloc (09022015). Collection method: clinical testing. Allele origin: germline.
Comment: This sequence change replaces arginine, which is basic and polar, with glutamine, which is neutral and polar, at codon 1702 of the DNAH1 protein (p.Arg1702Gln). This variant is present in population databases (rs753810465, gnomAD 0.002%). This missense change has been observed in individual(s) with severe sperm motility disorders (PMID: 34089056). ClinVar contains an entry for this variant (Variation ID: 938725). Invitae Evidence Modeling of protein sequence and biophysical properties (such as structural, functional, and spatial information, amino acid conservation, physicochemical variation, residue mobility, and thermodynamic stability) indicates that this missense variant is expected to disrupt DNAH1 protein function with a positive predictive value of 80%. This variant disrupts the p.Arg1702 amino acid residue in DNAH1. Other variant(s) that disrupt this residue have been observed in individuals with DNAH1-related conditions (PMID: 31676830), which suggests that this may be a clinically significant amino acid residue. In summary, the available evidence is currently insufficient to determine the role of this variant in disease. Therefore, it has been classified as a Variant of Uncertain Significance.

Literature cited by the submitters: PubMed 34089056; PubMed 31676830.

NM_015512.5(DNAH1):c.5105G>A (p.Arg1702Gln)

Gene: DNAH1 (dynein axonemal heavy chain 1; plus strand). Cytogenetic location: 3p21.1.
Variant type: single nucleotide variant.
Coding change: c.5105G>A on transcript NM_015512.5 (MANE Select); coding-DNA position 5105, G replaced by A.
Protein change: p.Arg1702Gln; replaces arginine 1702 with glutamine.
Molecular consequence: missense variant.
Genome position (GRCh38, 1-based): chr3:52,363,005, G>A. VCF-style: chr3-52363005-G-A. GRCh37 (hg19) VCF-style: chr3-52397021-G-A.
Other names: short protein forms R1702Q.
Identifiers: ClinVar variation 938725 (VCV000938725.6), dbSNP rs753810465, ClinGen allele CA2434105.